The following is an entry in ClinVar:

NC_000003.11:g.(?_8775553)_(9730776_?)dup

Genes: CAV3 (caveolin 3; plus strand), LHFPL4 (LHFPL tetraspan subfamily member 4; minus strand), MTMR14 (myotubularin related protein 14; plus strand), OXTR (oxytocin receptor; minus strand), RAD18 (RAD18 E3 ubiquitin protein ligase; minus strand) and 3 more. Cytogenetic location: 3p25.3.
Variant type: Duplication.
Identifiers: ClinVar variation 832860 (VCV000832860.1).

ClinVar aggregate classification (germline): Uncertain significance (1 of 4 stars; one submission).

Conditions:
Long QT syndrome (LQTS). Identifiers: MedGen C0023976, MeSH D008133, MONDO:0002442. Disease mechanism: loss of function. Inheritance: Various modes of inheritance.

Submission:

Labcorp Genetics (formerly Invitae), Labcorp
Classification: Uncertain significance for Long QT syndrome. Last evaluated: 2019-06-25. Review status: criteria provided, single submitter. Criteria: Invitae Variant Classification Sherloc (09022015). Collection method: clinical testing. Allele origin: germline.
Comment: This variant results in a copy number gain of the genomic region encompassing the full coding sequence of the CAV3 gene. The boundaries of this event are unknown as they extend beyond the assayed region for this gene and therefore may encompass additional genes. As the precise location of this event is unknown, it may be in tandem or it may be located elsewhere in the genome. This variant has not been reported in the literature in individuals with CAV3-related conditions. In summary, the available evidence is currently insufficient to determine the role of this variant in disease. Therefore, it has been classified as a Variant of Uncertain Significance.